The following is an entry in ClinVar:

NM_000059.4(BRCA2):c.19G>A (p.Glu7Lys)

Gene: BRCA2 (BRCA2 DNA repair associated; plus strand). Cytogenetic location: 13q13.1.
Variant type: single nucleotide variant.
Coding change: c.19G>A on transcript NM_000059.4 (MANE Select); coding-DNA position 19, G replaced by A.
Protein change: p.Glu7Lys; replaces glutamic acid 7 with lysine.
Molecular consequence: missense variant.
Genome position (GRCh38, 1-based): chr13:32,316,479, G>A. VCF-style: chr13-32316479-G-A. GRCh37 (hg19) VCF-style: chr13-32890616-G-A.
Other names: short protein forms E7K.
Identifiers: ClinVar variation 1510336 (VCV001510336.8), dbSNP rs2072261094, ClinGen allele CA387752946.

ClinVar aggregate classification (germline): Uncertain significance (1 of 4 stars; one submission).

Conditions:
Hereditary breast ovarian cancer syndrome. Also called: BRCA1- and BRCA2-Associated Hereditary Breast and Ovarian Cancer; Hereditary breast and ovarian cancer; Hereditary breast and/or ovarian cancer syndrome; Hereditary breast and ovarian cancer syndrome (HBOC); Breast and ovarian cancer; Hereditary breast and ovarian cancer syndrome. Identifiers: Orphanet 145, MedGen C0677776, MeSH D061325, MONDO:0003582. Disease mechanism: loss of function.

Allele frequency attached by ClinVar (database versions not stated): TOPMed below 0.00001.

Submission:

Labcorp Genetics (formerly Invitae), Labcorp
Classification: Uncertain significance for Hereditary breast ovarian cancer syndrome. Last evaluated: 2021-04-08. Review status: criteria provided, single submitter. Criteria: Invitae Variant Classification Sherloc (09022015). Collection method: clinical testing. Allele origin: germline.
Comment: In summary, the available evidence is currently insufficient to determine the role of this variant in disease. Therefore, it has been classified as a Variant of Uncertain Significance. Advanced modeling of protein sequence and biophysical properties (such as structural, functional, and spatial information, amino acid conservation, physicochemical variation, residue mobility, and thermodynamic stability) performed at Invitae indicates that this missense variant is not expected to disrupt BRCA2 protein function. This variant has not been reported in the literature in individuals with BRCA2-related conditions. This variant is not present in population databases (ExAC no frequency). This sequence change replaces glutamic acid with lysine at codon 7 of the BRCA2 protein (p.Glu7Lys). The glutamic acid residue is weakly conserved and there is a small physicochemical difference between glutamic acid and lysine.